The following is an entry in ClinVar:

ClinVar aggregate classification (germline): Uncertain significance. Review status: criteria provided, multiple submitters, no conflicts (2 of 4 stars). 3 submissions from 3 submitters: Uncertain significance (3). Last evaluated 2021-11-07.

Conditions:
Microcephaly, normal intelligence and immunodeficiency (NBS). Also called: Nijmegen breakage syndrome; Microcephaly with normal intelligence immunodeficiency and lymphoreticular malignancies; Nonsyndromal microcephaly autosomal recessive with normal intelligence; Seemanova syndrome 2; Immunodeficiency, microcephaly with normal intelligence; Ataxia telangiectasia variant V1. Identifiers: Orphanet 647, MedGen C0398791, MONDO:0009623, OMIM 251260.
Hereditary cancer-predisposing syndrome. Also called: Hereditary Cancer Syndrome; Neoplastic Syndromes, Hereditary; Hereditary neoplastic syndrome; Tumor predisposition. Identifiers: Orphanet 140162, MedGen C0027672, MeSH D009386, MONDO:0015356.

Allele frequency attached by ClinVar (database versions not stated): TOPMed below 0.00001.

Submissions (3):

Genome-Nilou Lab
Classification: Uncertain significance for Microcephaly, normal intelligence and immunodeficiency. Last evaluated: 2021-11-07. Review status: criteria provided, single submitter. Criteria: ACMG Guidelines, 2015. Collection method: clinical testing. Allele origin: germline. Affected: no.

Ambry Genetics
Classification: Uncertain significance for Hereditary cancer-predisposing syndrome. Last evaluated: 2019-12-12. Review status: criteria provided, single submitter. Criteria: Ambry Variant Classification Scheme 2023. Collection method: clinical testing. Allele origin: germline.
Comment: The p.T360P variant (also known as c.1078A>C), located in coding exon 9 of the NBN gene, results from an A to C substitution at nucleotide position 1078. The threonine at codon 360 is replaced by proline, an amino acid with highly similar properties. This amino acid position is not well conserved in available vertebrate species. In addition, this alteration is predicted to be tolerated by in silico analysis. Since supporting evidence is limited at this time, the clinical significance of this alteration remains unclear.

Labcorp Genetics (formerly Invitae), Labcorp
Classification: Uncertain significance for Microcephaly, normal intelligence and immunodeficiency. Last evaluated: 2019-06-06. Review status: criteria provided, single submitter. Criteria: Invitae Variant Classification Sherloc (09022015). Collection method: clinical testing. Allele origin: germline.
Comment: In summary, the available evidence is currently insufficient to determine the role of this variant in disease. Therefore, it has been classified as a Variant of Uncertain Significance. Algorithms developed to predict the effect of missense changes on protein structure and function (SIFT, PolyPhen-2, Align-GVGD) all suggest that this variant is likely to be tolerated, but these predictions have not been confirmed by published functional studies and their clinical significance is uncertain. This variant has not been reported in the literature in individuals with NBN-related conditions. This variant is not present in population databases (ExAC no frequency). This sequence change replaces threonine with proline at codon 360 of the NBN protein (p.Thr360Pro). The threonine residue is weakly conserved and there is a small physicochemical difference between threonine and proline.

NM_002485.5(NBN):c.1078A>C (p.Thr360Pro)

Gene: NBN (nibrin; minus strand). Cytogenetic location: 8q21.3.
Variant type: single nucleotide variant.
Coding change: c.1078A>C on transcript NM_002485.5 (MANE Select); coding-DNA position 1078, A replaced by C.
Protein change: p.Thr360Pro; replaces threonine 360 with proline.
Molecular consequence: missense variant.
Genome position (GRCh38, 1-based): chr8:89,958,771, T>G on the plus strand (A>C on the coding strand, the complement: NBN is on the minus strand). VCF-style: chr8-89958771-T-G. GRCh37 (hg19) VCF-style: chr8-90970999-T-G.
Other names: c.832A>C, p.Thr278Pro (NM_001024688.3); short protein forms T360P, T278P.
Identifiers: ClinVar variation 818344 (VCV000818344.16), dbSNP rs1307700838, ClinGen allele CA371656657.